The following is an entry in ClinVar:

NC_000007.14:g.44123553C>T

Gene: POLD2 (DNA polymerase delta 2, accessory subunit; minus strand). Cytogenetic location: 7p13.
Variant type: single nucleotide variant.
Genome position: GRCh38 VCF-style: chr7-44123553-C-T. GRCh37 (hg19) VCF-style: chr7-44163152-C-T.
Identifiers: ClinVar variation 2002084 (VCV002002084.4), dbSNP rs2096251320, ClinGen allele CA367388830.

ClinVar aggregate classification (germline): Uncertain significance (1 of 4 stars; one submission).

Submission:

Labcorp Genetics (formerly Invitae), Labcorp
Classification: Uncertain significance. Last evaluated: 2022-06-02. Review status: criteria provided, single submitter. Criteria: Invitae Variant Classification Sherloc (09022015). Collection method: clinical testing. Allele origin: germline.
Comment: In summary, the available evidence is currently insufficient to determine the role of this variant in disease. Therefore, it has been classified as a Variant of Uncertain Significance. Algorithms developed to predict the effect of missense changes on protein structure and function output the following: SIFT: "Tolerated"; PolyPhen-2: "Not Available"; Align-GVGD: "Class C0". The arginine amino acid residue is found in multiple mammalian species, which suggests that this missense change does not adversely affect protein function. This variant has not been reported in the literature in individuals affected with POLD2-related conditions. This variant is not present in population databases (gnomAD no frequency). This sequence change replaces glycine, which is neutral and non-polar, with arginine, which is basic and polar, at codon 3 of the POLD2 protein (p.Gly3Arg).